The following is an entry in ClinVar:

NM_001355436.2(SPTB):c.545G>A (p.Trp182Ter)

Gene: SPTB (spectrin beta, erythrocytic; minus strand). Cytogenetic location: 14q23.3.
Variant type: single nucleotide variant.
Coding change: c.545G>A on transcript NM_001355436.2 (MANE Select); coding-DNA position 545, G replaced by A.
Protein change: p.Trp182Ter; replaces tryptophan 182 with a stop codon.
Molecular consequence: nonsense.
Genome position (GRCh38, 1-based): chr14:64,802,247, C>T on the plus strand (G>A on the coding strand, the complement: SPTB is on the minus strand). VCF-style: chr14-64802247-C-T. GRCh37 (hg19) VCF-style: chr14-65268965-C-T.
Other names: c.545G>A, p.Trp182Ter (NM_001024858.4, NM_001355437.2); short protein forms W182*.
Identifiers: ClinVar variation 3062285 (VCV003062285.1), dbSNP rs2503213570, ClinGen allele CA390032529.

ClinVar aggregate classification (germline): Likely pathogenic (1 of 4 stars; one submission).

Conditions:
Hereditary spherocytosis type 2. Also called: SPHEROCYTOSIS, TYPE 2, AUTOSOMAL DOMINANT. Identifiers: Orphanet 822, MedGen C2674219, MONDO:0000913, OMIM 616649.

Submission:

Molecular Genetics Department, Kulakov National Medical Research Center for Obstetrics, Gynecology and Perinatology
Classification: Likely pathogenic for Hereditary spherocytosis type 2. Review status: criteria provided, single submitter. Criteria: ACMG Guidelines, 2015. Collection method: clinical testing. Allele origin: germline. Affected: yes.
Comment: A previously undescribed nucleotide variant creates a premature translation stop signal p.Trp182Ter in the SPTB gene. Loss-of-function variants are reported in patients with Anemia, neonatal hemolytic, fatal or near-fatal, 617948, Elliptocytosis-3, 617948, Spherocytosis, type 2, 616649. The variant is not present in population database (gnomAD no frequency). In summary, the currently available evidence indicates that the variant is pathogenic, but additional data are needed to prove that conclusively. Therefore, this variant has been classified as likely pathogenic.